The following is an entry in ClinVar:

NM_002160.4(TNC):c.6232G>A (p.Asp2078Asn)

Gene: TNC (tenascin C; minus strand). Cytogenetic location: 9q33.1.
Variant type: single nucleotide variant.
Coding change: c.6232G>A on transcript NM_002160.4 (MANE Select); coding-DNA position 6232, G replaced by A.
Protein change: p.Asp2078Asn; replaces aspartic acid 2078 with asparagine.
Molecular consequence: missense variant.
Genome position (GRCh38, 1-based): chr9:115,026,633, C>T on the plus strand (G>A on the coding strand, the complement: TNC is on the minus strand). VCF-style: chr9-115026633-C-T. GRCh37 (hg19) VCF-style: chr9-117788912-C-T.
Other names: c.5686G>A, p.Asp1896Asn (NM_001410991.1, NM_001439083.1, NM_001439084.1 and 2 more transcripts); c.6781G>A, p.Asp2261Asn (NM_001439065.1, NM_001439066.1, NM_001439067.1); c.6508G>A, p.Asp2170Asn (NM_001439068.1, NM_001439069.1, NM_001439070.1); c.6505G>A, p.Asp2169Asn (NM_001439071.1); c.6235G>A, p.Asp2079Asn (NM_001439072.1, NM_001439073.1); c.6232G>A, p.Asp2078Asn (NM_001439074.1, NM_001439075.1, NM_001439076.1); c.5959G>A, p.Asp1987Asn (NM_001439077.1, NM_001439078.1, NM_001439079.1 and 3 more transcripts); c.5413G>A, p.Asp1805Asn (NM_001439087.1, NM_001439088.1); and 4 more; short protein forms D1441N, D1532N, D1623N, D1714N, D1805N, D1896N, D1987N, D2078N.
Identifiers: ClinVar variation 4687468 (VCV004687468.1).
Genomic context (GRCh38, chr9:115,026,633, plus strand): 5'-GAGTCTTGGCATCTCCCACGCTGAACTTGTCATAGACAGCAAAGGCTGTCTCCCCATGGT[C>T]CCGCAGGTCCACCCGGAGCTCGTACTGCCCCTGGGCTGTGATTTTGTTCAGGTTGTCCAG-3'
Protein context (NP_002151.2, residues 2068-2088): GQYELRVDLR[Asp2078Asn]HGETAFAVYD

ClinVar aggregate classification (germline): Uncertain significance (1 of 4 stars; one submission).

gnomAD v4.1: 18 of 1,613,872 alleles (0.0011%); highest among the groups gnomAD compares: African/African-American, 0.008%; no homozygotes.

Submission:

Women's Health and Genetics/Laboratory Corporation of America, LabCorp
Classification: Uncertain significance. Last evaluated: 2025-10-08. Review status: criteria provided, single submitter. Criteria: LabCorp Variant Classification Summary - May 2015. Collection method: clinical testing. Allele origin: germline.
Comment: Variant summary: TNC c.6232G>A (p.Asp2078Asn) results in a conservative amino acid change in the encoded protein sequence. Algorithms developed to predict the effect of missense changes on protein structure and function are either unavailable or do not agree on the potential impact of this missense change. The variant was absent in 250988 control chromosomes. The available data on variant occurrences in the general population are insufficient to allow any conclusion about variant significance. To our knowledge, no occurrence of c.6232G>A in individuals affected with TNC-related conditions and no experimental evidence demonstrating its impact on protein function have been reported. No submitters have cited clinical-significance assessments for this variant to ClinVar. Based on the evidence outlined above, the variant was classified as uncertain significance.